The following is an entry in ClinVar:

ClinVar aggregate classification (germline): Likely benign. Review status: criteria provided, multiple submitters, no conflicts (2 of 4 stars). 5 submissions from 5 submitters: Likely benign (4). 1 of the submissions does not count toward it. Last evaluated 2026-09-01.

Conditions:
MAPKBP1-related disorder. Also called: MAPKBP1-related condition.

Allele frequency attached by ClinVar (database versions not stated): 1000 Genomes Project 0.00160; 1000 Genomes Project 30x 0.00172; ESP Exome Variant Server 0.00192; gnomAD 0.00197 and 0.00200; gnomAD exomes 0.00213 and 0.00234; ExAC 0.00233; TOPMed 0.00259.
gnomAD v4.1: 3,545 of 1,611,362 alleles (0.22%); highest among the groups gnomAD compares: Middle Eastern, 4.1%; 19 homozygotes.

Submissions (5):

CeGaT Center for Human Genetics Tuebingen
Classification: Likely benign. Last evaluated: 2026-09-01. Review status: criteria provided, single submitter. Criteria: CeGaT Center For Human Genetics Tuebingen Variant Classification Criteria Version 2. Collection method: clinical testing. Allele origin: germline. Affected: yes. Observed: 3 variant alleles.
Comment: MAPKBP1: BP4, BS2

Labcorp Genetics (formerly Invitae), Labcorp
Classification: Likely benign. Last evaluated: 2026-02-01. Review status: criteria provided, single submitter. Criteria: Invitae Variant Classification Sherloc (09022015). Collection method: clinical testing. Allele origin: germline.

Blueprint Genetics
Classification: Likely benign. Last evaluated: 2024-11-22. Review status: criteria provided, single submitter. Criteria: ACMG Guidelines, 2015. Collection method: clinical testing. Allele origin: germline.

Breakthrough Genomics
Classification: Likely benign. Review status: criteria provided, single submitter. Criteria: ACMG Guidelines, 2015. Collection method: not provided. Allele origin: germline. Inheritance: Autosomal recessive inheritance. Affected: yes.

PreventionGenetics, part of Exact Sciences
Classification: Likely benign for MAPKBP1-related condition. Last evaluated: 2019-03-27. Review status: no assertion criteria provided. Collection method: clinical testing. Allele origin: germline. Not counted in ClinVar's aggregate classification.
Comment: This variant is classified as likely benign based on ACMG/AMP sequence variant interpretation guidelines (Richards et al. 2015 PMID: 25741868, with internal and published modifications).

NM_014994.3(MAPKBP1):c.2156+3G>A

Gene: MAPKBP1 (mitogen-activated protein kinase binding protein 1; plus strand). Cytogenetic location: 15q15.1.
Variant type: single nucleotide variant.
Coding change: c.2156+3G>A on transcript NM_014994.3 (MANE Select); 3 bases into the intron after coding-DNA position 2156, G replaced by A.
Molecular consequence: intron variant.
Genome position (GRCh38, 1-based): chr15:41,818,585, G>A. VCF-style: chr15-41818585-G-A. GRCh37 (hg19) VCF-style: chr15-42110783-G-A.
Other names: c.2174+3G>A (NM_001128608.2); c.2156+3G>A (NM_001265611.2).
Identifiers: ClinVar variation 785819 (VCV000785819.36), dbSNP rs150920206, ClinGen allele CA7498070.